The following is an entry in ClinVar:

ClinVar aggregate classification (germline): Likely pathogenic (1 of 4 stars; one submission).

Conditions:
Retinitis pigmentosa 3. Also called: CHOROIDORETINAL DEGENERATION WITH RETINAL REFLEX IN HETEROZYGOUS WOMEN. Identifiers: Orphanet 791, MedGen C1845667, MONDO:0010227, OMIM 300029.
Retinitis pigmentosa, X-linked, and sinorespiratory infections, with or without deafness (RPSRDF). Identifiers: Orphanet 247522, MedGen C2749137, OMIM 300455.
Macular degeneration, X-linked atrophic. Identifiers: Orphanet 1872, MedGen C3151784, MONDO:0010443, OMIM 300834.
X-linked cone-rod dystrophy 1 (CORDX1). Identifiers: Orphanet 1872, MedGen C1844776, MONDO:0010566, OMIM 304020.

Submission:

Genetics and Molecular Pathology, SA Pathology
Classification: Likely pathogenic for Retinitis pigmentosa 3; Retinitis pigmentosa, X-linked, and sinorespiratory infections, with or without deafness; Macular degeneration, X-linked atrophic; X-linked cone-rod dystrophy 1. Last evaluated: 2023-01-24. Review status: criteria provided, single submitter. Criteria: ACMG Guidelines, 2015. Collection method: clinical testing. Allele origin: germline. Inheritance: X-linked recessive inheritance. Affected: yes.
Comment: The RPGR c.3238C>T variant is classified as LIKELY PATHOGENIC (PVS1, PM2) The RPGR c.3238C>T variant is a single nucleotide change which is predicted to result in premature termination of the protein product at codon 1080 (PVS1). This variant is absent from population databases (PM2). This variant has not been reported in dbSNP, ClinVar or HGMD. Whilst this variant is within the repetitive purine-rich region of the exon ORF15, it is at the 3' end of the repeat, whilst the majority of pathogenic variants are located at the 5' end.

NM_001034853.2(RPGR):c.3238C>T (p.Gln1080Ter)

Gene: RPGR (retinitis pigmentosa GTPase regulator; minus strand). Cytogenetic location: Xp11.4.
Variant type: single nucleotide variant.
Coding change: c.3238C>T on transcript NM_001034853.2 (MANE Select); coding-DNA position 3238, C replaced by T.
Protein change: p.Gln1080Ter; replaces glutamine 1080 with a stop codon.
Molecular consequence: nonsense. On other transcripts: intron variant (8).
Genome position (GRCh38, 1-based): chrX:38,285,761, G>A on the plus strand (C>T on the coding strand, the complement: RPGR is on the minus strand). VCF-style: chrX-38285761-G-A. GRCh37 (hg19) VCF-style: chrX-38145014-G-A.
Other names: c.1569+5198C>T (NM_001367249.1, NM_001367250.1); c.1902+1333C>T (NM_001367245.1); c.1386+5198C>T (NM_001367251.1); c.1719+1333C>T (NM_001367246.1); c.1572+5198C>T (NM_001367247.1); c.1905+1333C>T (NM_000328.3); c.1602+5198C>T (NM_001367248.1); short protein forms Q1080*.
Identifiers: ClinVar variation 2664727 (VCV002664727.1), dbSNP rs2519780631, ClinGen allele CA412727578.